The following is an entry in ClinVar:

ClinVar aggregate classification (germline): Benign (1 of 4 stars; one submission).

Conditions:
Telangiectasia, hereditary hemorrhagic, type 1 (HHT1). Also called: Osler Weber Rendu syndrome type 1; ENG-Related Hereditary Hemorrhagic Telangiectasia. Identifiers: Orphanet 774, MedGen C4551861, MONDO:0008535, OMIM 187300. Disease mechanism: loss of function.

Allele frequency attached by ClinVar (database versions not stated): TOPMed 0.00450; 1000 Genomes Project 30x 0.00531; 1000 Genomes Project 0.00559.
gnomAD v4.1: 721 of 366,338 alleles (0.2%); highest among the groups gnomAD compares: African/African-American, 1.4%; 6 homozygotes.

Submission:

Illumina Laboratory Services, Illumina
Classification: Benign for Telangiectasia, hereditary hemorrhagic, type 1. Last evaluated: 2018-01-12. Review status: criteria provided, single submitter. Criteria: ICSL Variant Classification Criteria 13 December 2019. Collection method: clinical testing. Allele origin: germline.
Comment: This variant was observed in the ICSL laboratory as part of a predisposition screen in an ostensibly healthy population. It had not been previously curated by ICSL or reported in the Human Gene Mutation Database (HGMD: prior to June 1st, 2018), and was therefore a candidate for classification through an automated scoring system. Utilizing variant allele frequency, disease prevalence and penetrance estimates, and inheritance mode, an automated score was calculated to assess if this variant is too frequent to cause the disease. Based on the score and internal cut-off values, a variant classified as benign is not then subjected to further curation. The score for this variant resulted in a classification of benign for this disease.

NM_001114753.3(ENG):c.*320G>A

Gene: ENG (endoglin; minus strand). Cytogenetic location: 9q34.11.
Variant type: single nucleotide variant.
Coding change: c.*320G>A on transcript NM_001114753.3 (MANE Select); 320 bases downstream of the stop codon, G replaced by A.
Molecular consequence: 3 prime UTR variant.
Genome position (GRCh38, 1-based): chr9:127,815,362, C>T on the plus strand (G>A on the coding strand, the complement: ENG is on the minus strand). VCF-style: chr9-127815362-C-T. GRCh37 (hg19) VCF-style: chr9-130577641-C-T.
Other names: c.*555G>A (NM_000118.4); c.*320G>A (NM_001278138.2).
Identifiers: ClinVar variation 913355 (VCV000913355.6), dbSNP rs41478248, ClinGen allele CA200300817.